The following is an entry in ClinVar:

ClinVar aggregate classification (germline): Uncertain significance (1 of 4 stars; one submission).

Conditions:
Long QT syndrome (LQTS). Identifiers: MedGen C0023976, MeSH D008133, MONDO:0002442. Disease mechanism: loss of function. Inheritance: Various modes of inheritance.

Submission:

Labcorp Genetics (formerly Invitae), Labcorp
Classification: Uncertain significance for Long QT syndrome. Last evaluated: 2025-12-18. Review status: criteria provided, single submitter. Criteria: Invitae Variant Classification Sherloc (09022015). Collection method: clinical testing. Allele origin: germline.
Comment: This sequence change falls in intron 11 of the KCNH2 gene. It does not directly change the encoded amino acid sequence of the KCNH2 protein. This variant is not present in population databases (gnomAD no frequency). This variant has not been reported in the literature in individuals affected with KCNH2-related conditions. ClinVar contains an entry for this variant (Variation ID: 1935388). Experimental studies and prediction algorithms are not available or were not evaluated, and the effect of this variant on mRNA splicing is currently unknown. In summary, the available evidence is currently insufficient to determine the role of this variant in disease. Therefore, it has been classified as a Variant of Uncertain Significance.

NM_000238.4(KCNH2):c.2692+2_2692+25dup

Gene: KCNH2 (potassium voltage-gated channel subfamily H member 2; minus strand). Cytogenetic location: 7q36.1.
Variant type: Duplication.
Coding change: c.2692+2_2692+25dup on transcript NM_000238.4 (MANE Select); the canonical splice donor site of the intron after coding-DNA position 2692 through 25 bases into the intron after coding-DNA position 2692, 24 bases duplicated (TGAGGCGGGGGAGGGGAGGAAGGG).
Molecular consequence: splice donor variant.
Genome position (GRCh38, 1-based): chr7:150,948,419-150,948,442, CCCTTCCTCCCCTCCCCCGCCTCA duplicated on the plus strand (TGAGGCGGGGGAGGGGAGGAAGGG on the coding strand, the reverse complement: KCNH2 is on the minus strand); duplicating any 24 consecutive bases within chr7:150,948,419-150,948,447 gives the same sequence; the c. name uses the placement nearest the transcript's 3' end. VCF-style (leftmost placement, unchanged base first): chr7-150948418-C-CCCCTTCCTCCCCTCCCCCGCCTCA. GRCh37 (hg19) VCF-style: chr7-150645506-C-CCCCTTCCTCCCCTCCCCCGCCTCA.
Other names: c.1672+2_1672+25dup (NM_172057.3).
Identifiers: ClinVar variation 1935388 (VCV001935388.5), dbSNP rs2486011286, ClinGen allele CA2580077774.
Genomic context (GRCh38, chr7:150,948,418, plus strand): 5'-GTAAAGCAGACACGGCCCACCCCGCCTTCCAGCTCCCAGCCTCACCTTGTCCCCGCCCTC[C>CCCCTTCCTCCCCTCCCCCGCCTCA]CCCTTCCTCCCCTCCCCCGCCTCACCCTTGTCCGTGCGCCTGCGGAAGGACAACTTGCGC-3'